The following is an entry in ClinVar:

NM_005356.5(LCK):c.1490T>C (p.Phe497Ser)

Gene: LCK (LCK proto-oncogene, Src family tyrosine kinase; plus strand). Cytogenetic location: 1p35.2.
Variant type: single nucleotide variant.
Coding change: c.1490T>C on transcript NM_005356.5 (MANE Select); coding-DNA position 1490, T replaced by C.
Protein change: p.Phe497Ser; replaces phenylalanine 497 with serine.
Molecular consequence: missense variant.
Genome position (GRCh38, 1-based): chr1:32,285,676, T>C. VCF-style: chr1-32285676-T-C. GRCh37 (hg19) VCF-style: chr1-32751277-T-C.
Other names: c.1490T>C, p.Phe497Ser (NM_001042771.3); c.1337T>C, p.Phe446Ser (NM_001330468.2); short protein forms F446S, F497S.
Identifiers: ClinVar variation 4056859 (VCV004056859.1).

ClinVar aggregate classification (germline): Uncertain significance (1 of 4 stars; one submission).

Submission:

GeneDx
Classification: Uncertain significance. Last evaluated: 2022-01-11. Review status: criteria provided, single submitter. Criteria: GeneDx Variant Classification Process June 2021. Collection method: clinical testing. Allele origin: germline. Affected: yes.
Comment: Not observed at significant frequency in large population cohorts (gnomAD); In silico analysis supports that this missense variant has a deleterious effect on protein structure/function; Has not been previously published as pathogenic or benign to our knowledge; Variants in candidate genes are classified as variants of uncertain significance in accordance with ACMG guidelines (Richards et al., 2015)